The following is an entry in ClinVar:

NM_005559.4(LAMA1):c.8761C>T (p.Arg2921Ter)

Gene: LAMA1 (laminin subunit alpha 1; minus strand). Cytogenetic location: 18p11.31.
Variant type: single nucleotide variant.
Coding change: c.8761C>T on transcript NM_005559.4 (MANE Select); coding-DNA position 8761, C replaced by T.
Protein change: p.Arg2921Ter; replaces arginine 2921 with a stop codon.
Molecular consequence: nonsense.
Genome position (GRCh38, 1-based): chr18:6,947,246, G>A on the plus strand (C>T on the coding strand, the complement: LAMA1 is on the minus strand). VCF-style: chr18-6947246-G-A. GRCh37 (hg19) VCF-style: chr18-6947245-G-A.
Other names: short protein forms R2921*.
Identifiers: ClinVar variation 1284926 (VCV001284926.6), dbSNP rs1480105908, ClinGen allele CA401834973.

ClinVar aggregate classification (germline): Pathogenic/Likely pathogenic. Review status: criteria provided, multiple submitters, no conflicts (2 of 4 stars). 4 submissions from 4 submitters: Pathogenic (1); Likely pathogenic (1). 2 of the submissions do not count toward it. Last evaluated 2025-09-14.

Conditions:
Ataxia - intellectual disability - oculomotor apraxia - cerebellar cysts syndrome. Also called: Poretti-Boltshauser syndrome. Identifiers: Orphanet 370022, MedGen C4014821, MONDO:0014419, OMIM 615960.

Allele frequency attached by ClinVar (database versions not stated): gnomAD exomes below 0.00001 and 0.00001; 1000 Genomes Project 30x 0.00016.

Submissions (4):

Labcorp Genetics (formerly Invitae), Labcorp
Classification: Pathogenic. Last evaluated: 2025-09-14. Review status: criteria provided, single submitter. Criteria: Invitae Variant Classification Sherloc (09022015). Collection method: clinical testing. Allele origin: germline.
Comment: This sequence change creates a premature translational stop signal (p.Arg2921*) in the LAMA1 gene. It is expected to result in an absent or disrupted protein product. Loss-of-function variants in LAMA1 are known to be pathogenic (PMID: 25105227, 26932191). The frequency data for this variant in the population databases is considered unreliable, as metrics indicate poor data quality at this position in the gnomAD database. This premature translational stop signal has been observed in individual(s) with Poretti-Boltshauser syndrome (PMID: 26932191, 28283601). ClinVar contains an entry for this variant (Variation ID: 1284926). For these reasons, this variant has been classified as Pathogenic.

Neuberg Centre For Genomic Medicine, NCGM
Classification: Likely pathogenic for Ataxia - intellectual disability - oculomotor apraxia - cerebellar cysts syndrome. Review status: criteria provided, single submitter. Criteria: ACMG Guidelines, 2015. Collection method: clinical testing. Allele origin: germline. Inheritance: Autosomal recessive inheritance. Affected: yes.
Comment: The stop gain c.8761C>T (p.Arg2921Ter) variant in LAMA1 gene has been reported in ClinVar as pathogenic with no evidence. This variant is reported with the allele frequency 0.0003% in the gnomAD and novel in 1000 genome database. The nucleotide change c.8761C>T in LAMA1 is predicted as conserved by GERP++ and PhyloP across 100 vertebrates. This variant is predicted to cause loss of normal protein function through protein truncation. Loss of function variants have been previously reported to be disease causing. For these reasons, this variant has been classified as Likely Pathogenic. In the absence of second reportable variant , the molecular diagnosis is not confirmed.

Genome Diagnostics Laboratory, University Medical Center Utrecht
Classification: Pathogenic. Review status: no assertion criteria provided. Collection method: clinical testing. Allele origin: germline. Affected: yes. Study: VKGL Data-share Consensus. Not counted in ClinVar's aggregate classification.

Joint Genome Diagnostic Labs from Nijmegen and Maastricht, Radboudumc and MUMC+
Classification: Pathogenic. Review status: no assertion criteria provided. Collection method: clinical testing. Allele origin: germline. Affected: yes. Study: VKGL Data-share Consensus. Not counted in ClinVar's aggregate classification.

Literature cited by the submitters: PubMed 25105227 (cited by Labcorp Genetics (formerly Invitae), Labcorp); PubMed 26932191 (cited by Labcorp Genetics (formerly Invitae), Labcorp); PubMed 28283601 (cited by Labcorp Genetics (formerly Invitae), Labcorp).